The following is an entry in ClinVar:

NM_022552.5(DNMT3A):c.662T>C (p.Ile221Thr)

Gene: DNMT3A (DNA methyltransferase 3 alpha; minus strand). Cytogenetic location: 2p23.3.
Variant type: single nucleotide variant.
Coding change: c.662T>C on transcript NM_022552.5 (MANE Select); coding-DNA position 662, T replaced by C.
Protein change: p.Ile221Thr; replaces isoleucine 221 with threonine.
Molecular consequence: missense variant. On other transcripts: 5 prime UTR variant (1), non-coding transcript variant (1).
Genome position (GRCh38, 1-based): chr2:25,248,230, A>G on the plus strand (T>C on the coding strand, the complement: DNMT3A is on the minus strand). VCF-style: chr2-25248230-A-G. GRCh37 (hg19) VCF-style: chr2-25471099-A-G.
Other names: c.206T>C, p.Ile69Thr (NM_001320893.1); c.-8T>C (NM_001375819.1); c.95T>C, p.Ile32Thr (NM_153759.3); c.662T>C, p.Ile221Thr (NM_175629.2); short protein forms I32T, I69T, I221T.
Identifiers: ClinVar variation 2797686 (VCV002797686.3), dbSNP rs754994143, ClinGen allele CA1556332.

ClinVar aggregate classification (germline): Uncertain significance (1 of 4 stars; one submission).

Conditions:
Tatton-Brown-Rahman overgrowth syndrome. Also called: Tatton-Brown-Rahman syndrome; Tall stature-intellectual disability-facial dysmorphism syndrome. Identifiers: Orphanet 404443, MedGen C4014545, MONDO:0014382, OMIM 615879.

Allele frequency attached by ClinVar (database versions not stated): gnomAD exomes below 0.00001; ExAC 0.00001.
gnomAD v4.1: 5 of 1,612,620 alleles (0.00031%); highest among the groups gnomAD compares: East Asian, 0.0022%; no homozygotes.

Submission:

Labcorp Genetics (formerly Invitae), Labcorp
Classification: Uncertain significance for Tatton-Brown-Rahman overgrowth syndrome. Last evaluated: 2025-05-06. Review status: criteria provided, single submitter. Criteria: Invitae Variant Classification Sherloc (09022015). Collection method: clinical testing. Allele origin: germline.
Comment: This sequence change replaces isoleucine, which is neutral and non-polar, with threonine, which is neutral and polar, at codon 221 of the DNMT3A protein (p.Ile221Thr). This variant is present in population databases (rs754994143, gnomAD 0.006%). This variant has not been reported in the literature in individuals affected with DNMT3A-related conditions. ClinVar contains an entry for this variant (Variation ID: 2797686). Invitae Evidence Modeling of protein sequence and biophysical properties (such as structural, functional, and spatial information, amino acid conservation, physicochemical variation, residue mobility, and thermodynamic stability) indicates that this missense variant is not expected to disrupt DNMT3A protein function with a negative predictive value of 95%. In summary, the available evidence is currently insufficient to determine the role of this variant in disease. Therefore, it has been classified as a Variant of Uncertain Significance.